The following is an entry in ClinVar:

ClinVar aggregate classification (germline): Pathogenic (1 of 4 stars; one submission).

Conditions:
Mucopolysaccharidosis, MPS-III-C (MPS3C). Also called: MPS IIIC (Sanfilippo Syndrome Type C); MUCOPOLYSACCHARIDOSIS, TYPE IIIC; Mucopolysaccharidosis type IIIC (Sanfilippo C); mucopolysaccharidosis type 3C; SANFILIPPO SYNDROME C; MPS III C. Identifiers: Orphanet 581, Orphanet 79271, MedGen C0086649, MONDO:0009657, OMIM 252930.
Retinitis pigmentosa 73 (RP73). Identifiers: Orphanet 791, MedGen C4225287, MONDO:0014687, OMIM 616544.

Allele frequency attached by ClinVar (database versions not stated): gnomAD exomes below 0.00001.

Submission:

Labcorp Genetics (formerly Invitae), Labcorp
Classification: Pathogenic for Retinitis pigmentosa 73; Mucopolysaccharidosis, MPS-III-C. Last evaluated: 2022-02-10. Review status: criteria provided, single submitter. Criteria: Invitae Variant Classification Sherloc (09022015). Collection method: clinical testing. Allele origin: germline.
Comment: This sequence change creates a premature translational stop signal (p.Gln227*) in the HGSNAT gene. It is expected to result in an absent or disrupted protein product. Loss-of-function variants in HGSNAT are known to be pathogenic (PMID: 17033958, 19479962). This variant is not present in population databases (gnomAD no frequency). This variant has not been reported in the literature in individuals affected with HGSNAT-related conditions. ClinVar contains an entry for this variant (Variation ID: 958204). For these reasons, this variant has been classified as Pathogenic.

Literature cited by the submitters: PubMed 17033958; PubMed 19479962.

NM_152419.3(HGSNAT):c.679C>T (p.Gln227Ter)

Gene: HGSNAT (heparan-alpha-glucosaminide N-acetyltransferase; plus strand). Cytogenetic location: 8p11.21.
Variant type: single nucleotide variant.
Coding change: c.679C>T on transcript NM_152419.3 (MANE Select); coding-DNA position 679, C replaced by T.
Protein change: p.Gln227Ter; replaces glutamine 227 with a stop codon.
Molecular consequence: nonsense. On other transcripts: 5 prime UTR variant (1).
Genome position (GRCh38, 1-based): chr8:43,170,630, C>T. VCF-style: chr8-43170630-C-T. GRCh37 (hg19) VCF-style: chr8-43025773-C-T.
Other names: c.679C>T, p.Gln227Ter (NM_001363227.2, NM_001363228.2); c.-155C>T (NM_001363229.2); short protein forms Q227*.
Identifiers: ClinVar variation 958204 (VCV000958204.6), dbSNP rs1803593441, ClinGen allele CA371116153.